The following is an entry in ClinVar:

NM_001250.6(CD40):c.287_297del (p.Thr96fs)

Gene: CD40 (CD40 molecule; plus strand). Cytogenetic location: 20q13.12.
Variant type: Deletion.
Coding change: c.287_297del on transcript NM_001250.6 (MANE Select); coding-DNA positions 287 to 297, 11 bases deleted (CCTCAGAAACA).
Protein change: p.Thr96fs; shifts the reading frame from threonine 96.
Molecular consequence: frameshift variant. On other transcripts: non-coding transcript variant (2).
Genome position (GRCh38, 1-based): chr20:46,122,640-46,122,650, CCTCAGAAACA deleted; deleting any 11 consecutive bases within chr20:46,122,638-46,122,650 gives the same sequence; the c. name uses the placement nearest the transcript's 3' end. VCF-style (leftmost placement, unchanged base first): chr20-46122637-GCACCTCAGAAA-G. GRCh37 (hg19) VCF-style: chr20-44751276-GCACCTCAGAAA-G.
Other names: c.287_297del, p.Thr96fs (NM_001302753.2, NM_001322421.2, NM_001362758.2 and 3 more transcripts); short protein forms T96fs.
Identifiers: ClinVar variation 3724127 (VCV003724127.2).

ClinVar aggregate classification (germline): Pathogenic (1 of 4 stars; one submission).

Submission:

Labcorp Genetics (formerly Invitae), Labcorp
Classification: Pathogenic. Last evaluated: 2024-10-30. Review status: criteria provided, single submitter. Criteria: Invitae Variant Classification Sherloc (09022015). Collection method: clinical testing. Allele origin: germline.
Comment: This sequence change creates a premature translational stop signal (p.Thr96Argfs*7) in the CD40 gene. It is expected to result in an absent or disrupted protein product. Loss-of-function variants in CD40 are known to be pathogenic (PMID: 20702779, 24122029, 35729272). This variant is not present in population databases (gnomAD no frequency). This variant has not been reported in the literature in individuals affected with CD40-related conditions. For these reasons, this variant has been classified as Pathogenic.

Literature cited by the submitters: PubMed 20702779; PubMed 24122029; PubMed 35729272.